The following is an entry in ClinVar:

NM_201253.3(CRB1):c.3991C>T (p.Arg1331Cys)

Gene: CRB1 (crumbs cell polarity complex component 1; plus strand). Cytogenetic location: 1q31.3.
Variant type: single nucleotide variant.
Coding change: c.3991C>T on transcript NM_201253.3 (MANE Select); coding-DNA position 3991, C replaced by T.
Protein change: p.Arg1331Cys; replaces arginine 1331 with cysteine.
Molecular consequence: missense variant. On other transcripts: non-coding transcript variant (2).
Genome position (GRCh38, 1-based): chr1:197,442,278, C>T. VCF-style: chr1-197442278-C-T. GRCh37 (hg19) VCF-style: chr1-197411408-C-T.
Other names: c.3655C>T, p.Arg1219Cys (NM_001193640.2); c.3919C>T, p.Arg1307Cys (NM_001257965.2); c.2383C>T, p.Arg795Cys (NM_001257966.2); short protein forms R1219C, R1307C, R1331C, R795C.
Identifiers: ClinVar variation 865928 (VCV000865928.53), dbSNP rs760544654, ClinGen allele CA1312457.
Genomic context (GRCh38, chr1:197,442,278, plus strand): 5'-CTGTGCCAGGACTTACTCAACAAATTCCAGTGCCTCTGTGATGTTGCCTTTGCTGGCGAG[C>T]GCTGCGAGGTGGACGTAAGCAGCCTCTCCTTTTATGTCTCTCTCTTATTCTGGCAGAATC-3'
Protein context (NP_957705.1, residues 1321-1341): CLCDVAFAGE[Arg1331Cys]CEVDLADDLI

ClinVar aggregate classification (germline): Pathogenic/Likely pathogenic. Review status: criteria provided, multiple submitters, no conflicts (2 of 4 stars). 10 submissions from 8 submitters: Pathogenic (8); Likely pathogenic (2). Last evaluated 2025-11-24.

Conditions:
Pigmented paravenous retinochoroidal atrophy. Identifiers: Orphanet 251295, MedGen C1868310, MONDO:0008246, OMIM 172870.
Retinitis pigmentosa 12 (RP12). Also called: RP WITH OR WITHOUT PPRPE; RP WITH OR WITHOUT PRESERVED PARAARTERIOLE RETINAL PIGMENT EPITHELIUM; RETINITIS PIGMENTOSA WITH OR WITHOUT PARAARTERIOLAR PRESERVATION OF RETINAL PIGMENT EPITHELIUM. Identifiers: Orphanet 791, MedGen C1838647, MONDO:0010818, OMIM 600105.
Leber congenital amaurosis 8 (LCA8). Identifiers: Orphanet 65, MedGen C3151202, MONDO:0013453, OMIM 613835.
Retinitis pigmentosa (RP). Identifiers: Orphanet 791, MedGen C0035334, MeSH D012174, MONDO:0019200, OMIM 268000. Inheritance: Autosomal dominant, autosomal recessive and X linked inheritance.
CRB1-related disorder. Also called: CRB1-related condition; CRB1-related disorders.
Leber congenital amaurosis (LCA). Also called: Leber's amaurosis. Identifiers: Orphanet 65, MedGen C0339527, MeSH D057130, MONDO:0018998.

Allele frequency attached by ClinVar (database versions not stated): gnomAD exomes below 0.00001 and 0.00002; TOPMed below 0.00001; ExAC 0.00002.
gnomAD v4.1: 7 of 1,614,144 alleles (0.00043%); highest among the groups gnomAD compares: Admixed American, 0.0033%; no homozygotes.

Submissions (10):

Labcorp Genetics (formerly Invitae), Labcorp
Classification: Pathogenic for Leber congenital amaurosis 8; Retinitis pigmentosa 12. Last evaluated: 2025-11-24. Review status: criteria provided, single submitter. Criteria: Invitae Variant Classification Sherloc (09022015). Collection method: clinical testing. Allele origin: germline.
Comment: This sequence change replaces arginine, which is basic and polar, with cysteine, which is neutral and slightly polar, at codon 1331 of the CRB1 protein (p.Arg1331Cys). This variant is present in population databases (rs760544654, gnomAD 0.009%). This missense change has been observed in individuals with CRB1-related conditions (PMID: 24535598, 24811962; internal data). It has also been observed to segregate with disease in related individuals. ClinVar contains an entry for this variant (Variation ID: 865928). Invitae Evidence Modeling of protein sequence and biophysical properties (such as structural, functional, and spatial information, amino acid conservation, physicochemical variation, residue mobility, and thermodynamic stability) indicates that this missense variant is expected to disrupt CRB1 protein function with a positive predictive value of 95%. For these reasons, this variant has been classified as Pathogenic.

Natera, Inc.
Classification: Likely pathogenic for Leber congenital amaurosis. Last evaluated: 2025-11-19. Review status: criteria provided, single submitter. Criteria: Natera Variant Classification Schema (03/2026). Collection method: clinical testing. Allele origin: germline.
Comment: The c.3991C>T variant in CRB1 is a missense variant predicted to cause substitution of arginine to cysteine at amino acid 1331. This variant is rare in the general population with a frequency below the threshold expected for the associated phenotype(s). This variant has been observed in one or more individuals affected with the associated recessive disease, as either homozygous or compound heterozygous with a second variant (PMID: 37734845, 34130719, 24811962, 24535598). Additionally, this variant has been observed to segregate in affected family members (PMID: 24811962). Computational prediction algorithms indicate this variant is likely to affect gene or protein function. Given the available evidence, this variant is classified as Likely Pathogenic.

Fulgent Genetics
Classification: Likely pathogenic for Pigmented paravenous retinochoroidal atrophy; Retinitis pigmentosa 12; Leber congenital amaurosis 8. Last evaluated: 2024-03-14. Review status: criteria provided, single submitter. Criteria: ACMG Guidelines, 2015. Collection method: clinical testing. Allele origin: germline.

Baylor Genetics
Classification: Pathogenic for Leber congenital amaurosis 8. Last evaluated: 2023-07-31. Review status: criteria provided, single submitter. Criteria: ACMG Guidelines, 2015. Collection method: clinical testing. Allele origin: unknown.

Genome-Nilou Lab
Classification: Pathogenic for Leber congenital amaurosis 8. Last evaluated: 2023-04-11. Review status: criteria provided, single submitter. Criteria: ACMG Guidelines, 2015. Collection method: clinical testing. Allele origin: germline. Affected: no.

Genome-Nilou Lab
Classification: Pathogenic for Pigmented paravenous retinochoroidal atrophy. Last evaluated: 2023-04-11. Review status: criteria provided, single submitter. Criteria: ACMG Guidelines, 2015. Collection method: clinical testing. Allele origin: germline. Affected: no.

Genome-Nilou Lab
Classification: Pathogenic for Retinitis pigmentosa 12. Last evaluated: 2023-04-11. Review status: criteria provided, single submitter. Criteria: ACMG Guidelines, 2015. Collection method: clinical testing. Allele origin: germline. Affected: no.

Blueprint Genetics
Classification: Pathogenic for CRB1-related disorders. Last evaluated: 2022-09-14. Review status: criteria provided, single submitter. Criteria: ACMG Guidelines, 2015. Collection method: clinical testing. Allele origin: germline. Affected: yes. Observed: 5 variant alleles.

Institute of Medical Genetics and Applied Genomics, University Hospital Tübingen
Classification: Pathogenic for Retinitis pigmentosa. Last evaluated: 2021-09-22. Review status: criteria provided, single submitter. Criteria: ACMG Guidelines, 2015. Collection method: clinical testing. Allele origin: germline. Inheritance: Autosomal recessive inheritance. Affected: yes.

CeGaT Center for Human Genetics Tuebingen
Classification: Pathogenic. Last evaluated: 2016-11-01. Review status: criteria provided, single submitter. Criteria: CeGaT Center For Human Genetics Tuebingen Variant Classification Criteria Version 2. Collection method: clinical testing. Allele origin: germline. Affected: yes. Observed: 1 variant allele.

Literature cited by the submitters: PubMed 24535598 (cited by Labcorp Genetics (formerly Invitae), Labcorp and Natera, Inc.); PubMed 24811962 (cited by Labcorp Genetics (formerly Invitae), Labcorp and Natera, Inc.); PubMed 37734845 (cited by Natera, Inc.); PubMed 34130719 (cited by Natera, Inc.).